The following is an entry in ClinVar:

ClinVar aggregate classification (germline): other (0 of 4 stars; one submission).

Conditions:
Familial colorectal cancer. Identifiers: MedGen CN280943, MONDO:0023113. Disease mechanism: loss of function.

Submission:

Systems Biology Platform Zhejiang California International NanoSystems Institute
Classification: other for Familial colorectal cancer. Review status: no assertion criteria provided. Collection method: not provided. Allele origin: unknown.
ClinVar note: Converted during submission from cancer to other.

NM_000038.6(APC):c.646-2133T>G

Gene: APC (APC regulator of WNT signaling pathway; plus strand). Cytogenetic location: 5q22.2.
Variant type: single nucleotide variant.
Coding change: c.646-2133T>G on transcript NM_000038.6 (MANE Select); 2133 bases into the intron before coding-DNA position 646, T replaced by G.
Molecular consequence: intron variant.
Genome position (GRCh38, 1-based): chr5:112,790,313, T>G. VCF-style: chr5-112790313-T-G. GRCh37 (hg19) VCF-style: chr5-112126010-T-G.
Other names: c.646-2133T>G (NM_001354895.2, NM_001127510.3, NM_001354896.2 and 1 more transcripts); c.676-2133T>G (NM_001354897.2, NM_001354902.2); c.675+9410T>G (NM_001127511.3); c.571-2133T>G (NM_001354898.2, NM_001354904.2); c.-390-2133T>G (NM_001354906.2); c.645+9410T>G (NM_001354899.2); c.469-2133T>G (NM_001354900.2, NM_001354901.2, NM_001354905.2).
Identifiers: ClinVar variation 82990 (VCV000082990.2), dbSNP rs74873060, ClinGen allele CA011734.